The following is an entry in ClinVar:

NM_020708.5(SLC12A5):c.42dup (p.Ala15fs)

Gene: SLC12A5 (solute carrier family 12 member 5; plus strand). Cytogenetic location: 20q13.12.
Variant type: Duplication.
Coding change: c.42dup on transcript NM_020708.5 (MANE Select); coding-DNA position 42, one base duplicated (A; older notation c.42dupA).
Protein change: p.Ala15fs; shifts the reading frame from alanine 15.
Molecular consequence: frameshift variant. On other transcripts: intron variant (1).
Genome position (GRCh38, 1-based): chr20:46,029,386, A duplicated. VCF-style (leftmost placement, unchanged base first): chr20-46029385-G-GA. GRCh37 (hg19) VCF-style: chr20-44658024-G-GA.
Other names: c.122-5562dup (NM_001134771.2); short protein forms A15fs.
Identifiers: ClinVar variation 938667 (VCV000938667.8), dbSNP rs2084424722, ClinGen allele CA1139666710.

ClinVar aggregate classification (germline): Pathogenic (1 of 4 stars; one submission).

Conditions:
Developmental and epileptic encephalopathy, 34 (DEE34). Also called: Early infantile epileptic encephalopathy 34; SLC12A5-Related Epilepsy of Infancy with Migrating Focal Seizures. Identifiers: Orphanet 293181, MedGen C4225257, MONDO:0014718, OMIM 616645.

Submission:

Labcorp Genetics (formerly Invitae), Labcorp
Classification: Pathogenic for Developmental and epileptic encephalopathy, 34. Last evaluated: 2019-09-02. Review status: criteria provided, single submitter. Criteria: Invitae Variant Classification Sherloc (09022015). Collection method: clinical testing. Allele origin: germline.
Comment: The frequency data for this variant in the population databases is considered unreliable, as metrics indicate insufficient coverage at this position in the ExAC database. This variant has not been reported in the literature in individuals with SLC12A5-related conditions. Loss-of-function variants in SLC12A5 are known to be pathogenic (PMID: 26333769, 27436767). For these reasons, this variant has been classified as Pathogenic. This sequence change creates a premature translational stop signal (p.Ala15Serfs*5) in the SLC12A5 gene. It is expected to result in an absent or disrupted protein product.

Literature cited by the submitters: PubMed 26333769; PubMed 27436767.